The following is an entry in ClinVar:

ClinVar aggregate classification (germline): Pathogenic. Review status: criteria provided, multiple submitters, no conflicts (2 of 4 stars). 2 submissions from 2 submitters: Pathogenic (2). Last evaluated 2026-01-07.

Conditions:
Familial thoracic aortic aneurysm and aortic dissection (TAAD). Also called: Thoracic aortic aneurysms and dissections. Identifiers: Orphanet 91387, MedGen C4707243, MONDO:0019625.
Marfan syndrome (MFS). Also called: Marfan syndrome type 1; Marfan's syndrome; Marfan syndrome, classic; MARFAN SYNDROME, TYPE I; FBN1-Related Marfan Syndrome. Identifiers: Orphanet 284963, Orphanet 558, MedGen C0024796, MONDO:0007947, OMIM 154700.

Submissions (2):

Foundation for Research in Genetics and Endocrinology, FRIGE's Institute of Human Genetics
Classification: Pathogenic for Marfan syndrome. Last evaluated: 2026-01-07. Review status: criteria provided, single submitter. Criteria: ACMG Guidelines, 2015. Collection method: clinical testing. Allele origin: germline. Inheritance: Autosomal dominant inheritance. Affected: yes. Observed: 1 heterozygote.
Comment: A heterozygous variant in exon 44 of the FBN1 gene that results in the amino acid substitution of glycine for cysteine at codon 1791 was detected. This variant has not been observed in the 1000 genomes, ExAc or gnomAD databases. In-silico prediction of the variant is damaging by MutationTaster2, CADD, FATHMM, DANN, metaLR and REVEL. In summary, the variant meets our criteria to be classified as pathogenic.

Labcorp Genetics (formerly Invitae), Labcorp
Classification: Pathogenic for Marfan syndrome; Familial thoracic aortic aneurysm and aortic dissection. Last evaluated: 2020-03-12. Review status: criteria provided, single submitter. Criteria: Invitae Variant Classification Sherloc (09022015). Collection method: clinical testing. Allele origin: germline.
Comment: This sequence change replaces cysteine with glycine at codon 1791 of the FBN1 protein (p.Cys1791Gly). The cysteine residue is highly conserved and there is a large physicochemical difference between cysteine and glycine. This variant is not present in population databases (ExAC no frequency). This variant has been observed in individual(s) with clinical features of Marfan syndrome (Invitae). Algorithms developed to predict the effect of missense changes on protein structure and function are either unavailable or do not agree on the potential impact of this missense change (SIFT: "Deleterious"; PolyPhen-2: "Probably Damaging"; Align-GVGD: "Class C0"). This variant disrupts the p.Cys1791 amino acid residue in FBN1. Other variant(s) that disrupt this residue have been observed in individuals with FBN1-related conditions (PMID: 16220557, 11700157), which suggests that this may be a clinically significant amino acid residue. For these reasons, this variant has been classified as Pathogenic. This variant affects a cysteine residue in the EGF-like, TGFBP or hybrid motif domains of FBN1. Cysteine residues are believed to be involved in intramolecular disulfide bridges and have been shown to be important for FBN1 protein structure (PMID: 16905551, 19349279). In addition, missense substitutions affecting cysteine residues within these domains are significantly overrepresented among patients with Marfan syndrome (PMID: 16571647, 17701892).

Literature cited by the submitters: PubMed 16220557 (cited by Labcorp Genetics (formerly Invitae), Labcorp); PubMed 11700157 (cited by Labcorp Genetics (formerly Invitae), Labcorp); PubMed 16905551 (cited by Labcorp Genetics (formerly Invitae), Labcorp); PubMed 19349279 (cited by Labcorp Genetics (formerly Invitae), Labcorp); PubMed 16571647 (cited by Labcorp Genetics (formerly Invitae), Labcorp); PubMed 17701892 (cited by Labcorp Genetics (formerly Invitae), Labcorp).

NM_000138.5(FBN1):c.5371T>G (p.Cys1791Gly)

Gene: FBN1 (fibrillin 1; minus strand). Cytogenetic location: 15q21.1.
Variant type: single nucleotide variant.
Coding change: c.5371T>G on transcript NM_000138.5 (MANE Select); coding-DNA position 5371, T replaced by G.
Protein change: p.Cys1791Gly; replaces cysteine 1791 with glycine.
Molecular consequence: missense variant.
Genome position (GRCh38, 1-based): chr15:48,456,688, A>C on the plus strand (T>G on the coding strand, the complement: FBN1 is on the minus strand). VCF-style: chr15-48456688-A-C. GRCh37 (hg19) VCF-style: chr15-48748885-A-C.
Other names: p.Cys1791Gly; short protein forms C1791G.
Identifiers: ClinVar variation 1072045 (VCV001072045.10), dbSNP rs1555396427, ClinGen allele CA392346027.